The following is an entry in ClinVar:

NM_007254.4(PNKP):c.-7A>C

Gene: PNKP (polynucleotide kinase 3'-phosphatase; minus strand). Cytogenetic location: 19q13.33.
Variant type: single nucleotide variant.
Coding change: c.-7A>C on transcript NM_007254.4 (MANE Select); 7 bases upstream of the start codon, A replaced by C.
Molecular consequence: 5 prime UTR variant.
Genome position (GRCh38, 1-based): chr19:49,867,211, T>G on the plus strand (A>C on the coding strand, the complement: PNKP is on the minus strand). VCF-style: chr19-49867211-T-G. GRCh37 (hg19) VCF-style: chr19-50370468-T-G.
Identifiers: ClinVar variation 379854 (VCV000379854.1), dbSNP rs369053276, ClinGen allele CA9587111.

ClinVar aggregate classification (germline): Likely benign (1 of 4 stars; one submission).

Allele frequency attached by ClinVar (database versions not stated): 1000 Genomes Project 30x 0.00062; 1000 Genomes Project 0.00080.
gnomAD v4.1: 136 of 1,609,032 alleles (0.0085%); highest among the groups gnomAD compares: South Asian, 0.14%; no homozygotes.

Submission:

GeneDx
Classification: Likely benign. Last evaluated: 2018-02-08. Review status: criteria provided, single submitter. Criteria: GeneDx Variant Classification (06012015). Collection method: clinical testing. Allele origin: germline. Affected: yes.
Comment: This variant is considered likely benign or benign based on one or more of the following criteria: it is a conservative change, it occurs at a poorly conserved position in the protein, it is predicted to be benign by multiple in silico algorithms, and/or has population frequency not consistent with disease.